The following is an entry in ClinVar:

NM_001999.4(FBN2):c.3736T>A (p.Cys1246Ser)

Gene: FBN2 (fibrillin 2; minus strand). Cytogenetic location: 5q23.3.
Variant type: single nucleotide variant.
Coding change: c.3736T>A on transcript NM_001999.4 (MANE Select); coding-DNA position 3736, T replaced by A.
Protein change: p.Cys1246Ser; replaces cysteine 1246 with serine.
Molecular consequence: missense variant.
Genome position (GRCh38, 1-based): chr5:128,335,566, A>T on the plus strand (T>A on the coding strand, the complement: FBN2 is on the minus strand). VCF-style: chr5-128335566-A-T. GRCh37 (hg19) VCF-style: chr5-127671258-A-T.
Other names: short protein forms C1246S.
Identifiers: ClinVar variation 4822864 (VCV004822864.4).

ClinVar aggregate classification (germline): Likely pathogenic (1 of 4 stars; one submission).

Submission:

CeGaT Center for Human Genetics Tuebingen
Classification: Likely pathogenic. Last evaluated: 2026-02-01. Review status: criteria provided, single submitter. Criteria: CeGaT Center For Human Genetics Tuebingen Variant Classification Criteria Version 2. Collection method: clinical testing. Allele origin: germline. Affected: yes. Observed: 2 variant alleles.
Comment: FBN2: PM1, PM2, PM5, PP3